The following is an entry in ClinVar:

ClinVar aggregate classification (germline): Conflicting classifications of pathogenicity. Review status: criteria provided, conflicting classifications (1 of 4 stars). 7 submissions from 7 submitters: Pathogenic (5); Likely pathogenic (1); Uncertain significance (1). Last evaluated 2026-01-31.

Conditions:
Cardiovascular phenotype. Identifiers: MedGen CN230736.
Autosomal recessive TTN-related disorders.
Dilated cardiomyopathy 1G (CMD1G). Identifiers: Orphanet 154, MedGen C1858763, MONDO:0011400, OMIM 604145.
Autosomal recessive limb-girdle muscular dystrophy type 2J (LGMDR10). Also called: Limb-girdle muscular dystrophy, type 2J; MUSCULAR DYSTROPHY, LIMB-GIRDLE, AUTOSOMAL RECESSIVE 10. Identifiers: Orphanet 140922, MedGen C1837342, MONDO:0012127, OMIM 608807.
Cardiomyopathy (CMYO). Also called: Cardiomyopathies. Identifiers: Orphanet 167848, MedGen C0878544, MONDO:0004994, HP:0001638. Inheritance: Various modes of inheritance.

Allele frequency attached by ClinVar (database versions not stated): TOPMed below 0.00001; gnomAD exomes below 0.00001; gnomAD 0.00001; ExAC 0.00002.
gnomAD v4.1: 7 of 1,593,764 alleles (0.00044%); highest among the groups gnomAD compares: Non-Finnish European, 0.0006%; no homozygotes.

Submissions (7):

Labcorp Genetics (formerly Invitae), Labcorp
Classification: Pathogenic for Dilated cardiomyopathy 1G; Autosomal recessive limb-girdle muscular dystrophy type 2J. Last evaluated: 2026-01-31. Review status: criteria provided, single submitter. Criteria: Invitae Variant Classification Sherloc (09022015). Collection method: clinical testing. Allele origin: germline.
Comment: This sequence change affects an acceptor splice site in intron 242 of the TTN gene. It is expected to disrupt RNA splicing and likely results in a truncated or disrupted TTN protein. This variant is not present in population databases (gnomAD no frequency). Disruption of this splice site has been observed in individual(s) with autosomal recessive centronuclear myopathy and autosomal dominant dilated cardiomyopathy (PMID: 23975875; internal data). In at least one individual the data is consistent with being in trans (on the opposite chromosome) from a pathogenic variant. ClinVar contains an entry for this variant (Variation ID: 202368). Studies have shown that disruption of this splice site alters mRNA splicing and is expected to lead to the loss of protein expression (PMID: 23975875). This variant is located in the I band of TTN (PMID: 25589632). Truncating variants in this region have been reported in individuals affected with autosomal recessive centronuclear myopathy (PMID: 23975875, internal data). Truncating variants in this region have also been identified in individuals affected with autosomal dominant dilated cardiomyopathy and/or cardio-related conditions (PMID: 27869827, 32964742, internal data). For these reasons, this variant has been classified as Pathogenic.

Mayo Clinic Laboratories, Mayo Clinic
Classification: Pathogenic. Last evaluated: 2025-10-20. Review status: criteria provided, single submitter. Criteria: ACMG Guidelines, 2015. Collection method: clinical testing. Allele origin: germline. Observed: 1 variant allele.
Comment: PP1_strong, PM2_supporting, PM3, PVS1

Variantyx, Inc.
Classification: Pathogenic for Autosomal recessive TTN-related disorders. Last evaluated: 2025-08-27. Review status: criteria provided, single submitter. Criteria: Variantyx Assertion Criteria 2022. Collection method: clinical testing. Allele origin: germline. Inheritance: Autosomal dominant inheritance. Affected: no.
Comment: This is a canonical splicing variant in the TTN gene (OMIM: 188840). Pathogenic variants in this gene have been associated with autosomal recessive TTN-related disorders. This splicing variant is expected to result in loss of function, which is a known disease mechanism for TTN in these disorders (PMID: 22335739) (PVS1). It has been identified in the compound heterozygous state in at least one individual reported in the published literature (PMID: 23975875) (PM3), and it has a 0.0006% maximum allele frequency in non-founder control populations (PM2). Based on the current evidence, this variant is classified as pathogenic for autosomal recessive TTN-related disorders.

Ambry Genetics
Classification: Pathogenic for Cardiovascular phenotype. Last evaluated: 2024-10-24. Review status: criteria provided, single submitter. Criteria: Ambry Variant Classification Scheme 2023. Collection method: clinical testing. Allele origin: germline.
Comment: The c.17621-1G>A intronic pathogenic mutation results from a G to A substitution one nucleotide before coding exon 70 of the TTN gene. Exon 70 is located in the I-band region of the N2-B isoform of the titin protein and is constitutively expressed in TTN transcripts (percent spliced in or PSI 100%). This variant (designated as NM_133378 c.37112-1G>A) has been identified in trans with a second TTN variant in an individual with features consistent with centronuclear myopathy; the individual's mother also carried this variant with mild subclinical cardiac and skeletal myopathies findings (Ceyhan-Birsoy O et al. Neurology, 2013 Oct;81:1205-14). A hybrid minigene assay demonstrated abnormal splicing due to this variant (Ceyhan-Birsoy O et al. Neurology, 2013 Oct;81:1205-14). This nucleotide position is highly conserved in available vertebrate species. In addition, in silico splice site analysis predicts that this alteration will weaken the native splice acceptor site. This variant is considered to be rare based on population cohorts in the Genome Aggregation Database (gnomAD). This alteration disrupts the canonical splice site and is expected to cause aberrant splicing, resulting in an abnormal protein or a transcript that is subject to nonsense-mediated mRNA decay. While loss of function variants in TTN are present in 1-3% of the general population, truncating variants (a category that includes canonical splice site variants) in the A-band are the most common cause of dilated cardiomyopathy (DCM) (Herman DS et al. N. Engl. J. Med., 2012 Feb;366:619-28; Roberts AM et al. Sci Transl Med, 2015 Jan;7:270ra6). TTN truncating variants encoded in constitutive exons (PSI >90%) have been found to be significantly associated with DCM regardless of their position in titin (Schafer S et al. Nat. Genet., 2017 01;49:46-53). Based on the supporting evidence, this alteration is interpreted as a disease-causing mutation.

GeneDx
Classification: Pathogenic. Last evaluated: 2022-01-11. Review status: criteria provided, single submitter. Criteria: GeneDx Variant Classification Process June 2021. Collection method: clinical testing. Allele origin: germline. Affected: yes.
Comment: Reported in a patient with centronuclear myopathy (CNM) and a normal cardiac evaluation who also harbored another missense variant in the TTN gene; the c.44816-1 G>A variant was inherited from a mother who had mild subclinical cardiac and skeletal myopathies (Ceyhan-Birsoy et al., 2013; reported as c.39893-1 G>A due to alternate nomenclature); Canonical splice site variant in a gene for which loss-of-function is a known mechanism of disease; Located in one of the constitutive exons in the I-band region; studies suggest that truncating variants affecting constitutive exons throughout the TTN gene are significantly associated with DCM (Deo, 2016; Schafer et al., 2017); Not observed at a significant frequency in large population cohorts (gnomAD); Immunofluorescence analysis on a muscle biopsy demonstrated truncated protein product (Ceyhan-Birsoy et al., 2013); This variant is associated with the following publications: (PMID: 24395473, 24667040, 22335739, 17444505, 32028919, 32778822, 23975875)

Revvity Omics, Revvity
Classification: Likely pathogenic. Last evaluated: 2020-03-18. Review status: criteria provided, single submitter. Criteria: ACMG Guidelines, 2015. Collection method: clinical testing. Allele origin: germline.

Eurofins Ntd Llc (ga)
Classification: Uncertain significance. Last evaluated: 2018-03-09. Review status: criteria provided, single submitter. Criteria: EGL ClinVar v180209 classification definitions. Collection method: clinical testing. Allele origin: germline. Observed: 1 variant allele, 1 heterozygote.

Literature cited by the submitters: PubMed 23975875 (cited by 4 submitters); PubMed 25589632 (cited by Labcorp Genetics (formerly Invitae), Labcorp); PubMed 27869827 (cited by Labcorp Genetics (formerly Invitae), Labcorp); PubMed 32964742 (cited by Labcorp Genetics (formerly Invitae), Labcorp); PubMed 29691892 (cited by Mayo Clinic Laboratories, Mayo Clinic); PubMed 32778822 (cited by Mayo Clinic Laboratories, Mayo Clinic); PubMed 34790974 (cited by Mayo Clinic Laboratories, Mayo Clinic); PubMed 39277846 (cited by Mayo Clinic Laboratories, Mayo Clinic and Variantyx, Inc.); PubMed 22335739 (cited by Variantyx, Inc.).

NM_001267550.2(TTN):c.44816-1G>A

Gene: TTN (titin; minus strand). Cytogenetic location: 2q31.2.
Variant type: single nucleotide variant.
Coding change: c.44816-1G>A on transcript NM_001267550.2 (MANE Select); the canonical splice acceptor site of the intron before coding-DNA position 44816, G replaced by A.
Molecular consequence: splice acceptor variant.
Genome position (GRCh38, 1-based): chr2:178,622,768, C>T on the plus strand (G>A on the coding strand, the complement: TTN is on the minus strand). VCF-style: chr2-178622768-C-T. GRCh37 (hg19) VCF-style: chr2-179487495-C-T.
Other names: IVS192-1 G>A; c.17621-1G>A (NM_003319.4); c.18197-1G>A (NM_133437.4); c.17996-1G>A (NM_133432.3); c.37112-1G>A (NM_133378.4); c.39893-1G>A (NM_001256850.1).
Identifiers: ClinVar variation 202368 (VCV000202368.26), dbSNP rs749705939, ClinGen allele CA309215.